The following is an entry in ClinVar:

ClinVar aggregate classification (germline): Benign (1 of 4 stars; one submission).

Conditions:
Hyperekplexia 2 (HKPX2). Identifiers: Orphanet 3197, MedGen C3553291, MONDO:0013828, OMIM 614619.

Allele frequency attached by ClinVar (database versions not stated): TOPMed 0.00001; ExAC 0.00002; gnomAD exomes 0.00002.
gnomAD v4.1: 21 of 1,338,240 alleles (0.0016%); highest among the groups gnomAD compares: Non-Finnish European, 0.002%; no homozygotes.

Submission:

Illumina Laboratory Services, Illumina
Classification: Benign for Hyperekplexia 2. Last evaluated: 2018-01-13. Review status: criteria provided, single submitter. Criteria: ICSL Variant Classification Criteria 13 December 2019. Collection method: clinical testing. Allele origin: germline.
Comment: This variant was observed in the ICSL laboratory as part of a predisposition screen in an ostensibly healthy population. It had not been previously curated by ICSL or reported in the Human Gene Mutation Database (HGMD: prior to June 1st, 2018), and was therefore a candidate for classification through an automated scoring system. Utilizing variant allele frequency, disease prevalence and penetrance estimates, and inheritance mode, an automated score was calculated to assess if this variant is too frequent to cause the disease. Based on the score and internal cut-off values, a variant classified as benign is not then subjected to further curation. The score for this variant resulted in a classification of benign for this disease.

NM_000824.5(GLRB):c.*23A>G

Gene: GLRB (glycine receptor beta; plus strand). Cytogenetic location: 4q32.1.
Variant type: single nucleotide variant.
Coding change: c.*23A>G on transcript NM_000824.5 (MANE Select); 23 bases downstream of the stop codon, A replaced by G.
Molecular consequence: 3 prime UTR variant.
Genome position (GRCh38, 1-based): chr4:157,170,751, A>G. VCF-style: chr4-157170751-A-G. GRCh37 (hg19) VCF-style: chr4-158091903-A-G.
Other names: c.*23A>G (NM_001166060.2); c.*312A>G (NM_001166061.2).
Identifiers: ClinVar variation 901285 (VCV000901285.4), dbSNP rs762423422, ClinGen allele CA3120035.
Genomic context (GRCh38, chr4:157,170,751, plus strand): 5'-TGTTCTTCAATGTTATATATTGGTCTATATATTTATGATAAATCTTTTCCATTTGTACAA[A>G]ATAAAATTCCATTTCATTGTGACCTACTCCTTTCATAAATGCCAATCTGTGAGAACTTTT-3'